The following is an entry in ClinVar:

NM_001918.5(DBT):c.1210-8A>T

Gene: DBT (dihydrolipoamide branched chain transacylase E2; minus strand). Cytogenetic location: 1p21.2.
Variant type: single nucleotide variant.
Coding change: c.1210-8A>T on transcript NM_001918.5 (MANE Select); 8 bases into the intron before coding-DNA position 1210, A replaced by T.
Molecular consequence: intron variant.
Genome position (GRCh38, 1-based): chr1:100,206,309, T>A on the plus strand (A>T on the coding strand, the complement: DBT is on the minus strand). VCF-style: chr1-100206309-T-A. GRCh37 (hg19) VCF-style: chr1-100671865-T-A.
Identifiers: ClinVar variation 516771 (VCV000516771.18), dbSNP rs535837017, ClinGen allele CA969539.

ClinVar aggregate classification (germline): Benign/Likely benign. Review status: criteria provided, multiple submitters, no conflicts (2 of 4 stars). 5 submissions from 5 submitters: Benign (2); Likely benign (3). Last evaluated 2026-02-01.

Conditions:
Maple syrup urine disease (MSUD). Identifiers: Orphanet 511, MedGen C0024776, MeSH D008375, MONDO:0009563. Disease mechanism: loss of function.

Allele frequency attached by ClinVar (database versions not stated): gnomAD 0.00023 and 0.00038; 1000 Genomes Project 0.00040; gnomAD exomes 0.00041 and 0.00064; ExAC 0.00084.
gnomAD v4.1: 595 of 1,449,430 alleles (0.041%); highest among the groups gnomAD compares: South Asian, 0.38%; no homozygotes.

Submissions (5):

Labcorp Genetics (formerly Invitae), Labcorp
Classification: Benign for Maple syrup urine disease. Last evaluated: 2026-02-01. Review status: criteria provided, single submitter. Criteria: Invitae Variant Classification Sherloc (09022015). Collection method: clinical testing. Allele origin: germline.

Blueprint Genetics
Classification: Likely benign. Last evaluated: 2024-10-08. Review status: criteria provided, single submitter. Criteria: ACMG Guidelines, 2015. Collection method: clinical testing. Allele origin: germline.

Genome-Nilou Lab
Classification: Benign for Maple syrup urine disease type 1A. Last evaluated: 2023-04-11. Review status: criteria provided, single submitter. Criteria: ACMG Guidelines, 2015. Collection method: clinical testing. Allele origin: germline. Affected: no.

GeneDx
Classification: Likely benign. Last evaluated: 2019-07-22. Review status: criteria provided, single submitter. Criteria: GeneDx Variant Classification Process June 2021. Collection method: clinical testing. Allele origin: germline. Affected: yes.

Illumina Laboratory Services, Illumina
Classification: Likely benign for Maple syrup urine disease type 1A. Last evaluated: 2018-01-13. Review status: criteria provided, single submitter. Criteria: ICSL Variant Classification Criteria 13 December 2019. Collection method: clinical testing. Allele origin: germline.
Comment: This variant was observed in the ICSL laboratory as part of a predisposition screen in an ostensibly healthy population. It had not been previously curated by ICSL or reported in the Human Gene Mutation Database (HGMD: prior to June 1st, 2018), and was therefore a candidate for classification through an automated scoring system. Utilizing variant allele frequency, disease prevalence and penetrance estimates, and inheritance mode, an automated score was calculated to assess if this variant is too frequent to cause the disease. Based on the score and internal cut-off values, a variant classified as likely benign is not then subjected to further curation. The score for this variant resulted in a classification of likely benign for this disease.